The following is an entry in ClinVar:

NM_000433.4(NCF2):c.1508T>C (p.Val503Ala)

Gene: NCF2 (neutrophil cytosolic factor 2; minus strand). Cytogenetic location: 1q25.3.
Variant type: single nucleotide variant.
Coding change: c.1508T>C on transcript NM_000433.4 (MANE Select); coding-DNA position 1508, T replaced by C.
Protein change: p.Val503Ala; replaces valine 503 with alanine.
Molecular consequence: missense variant.
Genome position (GRCh38, 1-based): chr1:183,556,191, A>G on the plus strand (T>C on the coding strand, the complement: NCF2 is on the minus strand). VCF-style: chr1-183556191-A-G. GRCh37 (hg19) VCF-style: chr1-183525326-A-G.
Other names: c.1508T>C, p.Val503Ala (NM_001127651.3); c.1265T>C, p.Val422Ala (NM_001190789.2); c.1373T>C, p.Val458Ala (NM_001190794.2); short protein forms V422A, V458A, V503A.
Identifiers: ClinVar variation 1023418 (VCV001023418.9), dbSNP rs1572142355, ClinGen allele CA343703387.

ClinVar aggregate classification (germline): Uncertain significance (1 of 4 stars; one submission).

Conditions:
Granulomatous disease, chronic, autosomal recessive, cytochrome b-positive, type 2. Also called: GRANULOMATOUS DISEASE, CHRONIC, AUTOSOMAL RECESSIVE, 2; CGD, AUTOSOMAL RECESSIVE CYTOCHROME b-POSITIVE, TYPE II; GRANULOMATOUS DISEASE, CHRONIC, DUE TO NCF2 DEFICIENCY; Chronic granulomatous disease due to deficiency of NCF-2; Chronic Granulomatous Disease, Autosomal Recessive, Cytochrome b-Positive, Type II. Identifiers: Orphanet 379, MedGen C1856245, MONDO:0009310, OMIM 233710.

Submission:

Labcorp Genetics (formerly Invitae), Labcorp
Classification: Uncertain significance for Granulomatous disease, chronic, autosomal recessive, cytochrome b-positive, type 2. Last evaluated: 2020-03-03. Review status: criteria provided, single submitter. Criteria: Invitae Variant Classification Sherloc (09022015). Collection method: clinical testing. Allele origin: germline.
Comment: This variant has not been reported in the literature in individuals with NCF2-related conditions. In summary, the available evidence is currently insufficient to determine the role of this variant in disease. Therefore, it has been classified as a Variant of Uncertain Significance. Algorithms developed to predict the effect of missense changes on protein structure and function output the following: SIFT: "Tolerated"; PolyPhen-2: "Benign"; Align-GVGD: "Class C0". The alanine amino acid residue is found in multiple mammalian species, suggesting that this missense change does not adversely affect protein function. These predictions have not been confirmed by published functional studies and their clinical significance is uncertain. This variant is not present in population databases (ExAC no frequency). This sequence change replaces valine with alanine at codon 503 of the NCF2 protein (p.Val503Ala). The valine residue is weakly conserved and there is a small physicochemical difference between valine and alanine.